The following is an entry in ClinVar:

ClinVar aggregate classification (germline): Uncertain significance. Review status: criteria provided, multiple submitters, no conflicts (2 of 4 stars). 2 submissions from 2 submitters: Uncertain significance (2). Last evaluated 2026-07-10.

Conditions:
Inborn genetic diseases. Identifiers: MedGen C0950123, MeSH D030342.
Congenital muscular hypertrophy-cerebral syndrome (CDLS2). Also called: SMC1A-Related Cornelia de Lange Syndrome; Cornelia de Lange syndrome 2. Identifiers: Orphanet 199, MedGen C1802395, MONDO:0010370, OMIM 300590.

Allele frequency attached by ClinVar (database versions not stated): gnomAD exomes below 0.00001.
gnomAD v4.1: 1 of 1,211,595 alleles (0.000083%); highest among the groups gnomAD compares: Non-Finnish European, 0.00011%; no homozygotes.

Submissions (2):

Ambry Genetics
Classification: Uncertain significance for Inborn genetic diseases. Last evaluated: 2026-07-10. Review status: criteria provided, single submitter. Criteria: Ambry Variant Classification Scheme 2023. Collection method: clinical testing. Allele origin: germline.

Labcorp Genetics (formerly Invitae), Labcorp
Classification: Uncertain significance for Congenital muscular hypertrophy-cerebral syndrome. Last evaluated: 2019-05-15. Review status: criteria provided, single submitter. Criteria: Invitae Variant Classification Sherloc (09022015). Collection method: clinical testing. Allele origin: germline.
Comment: This sequence change replaces arginine with glutamine at codon 171 of the SMC1A protein (p.Arg171Gln). The arginine residue is moderately conserved and there is a small physicochemical difference between arginine and glutamine. This variant is not present in population databases (ExAC no frequency). This variant has not been reported in the literature in individuals with SMC1A-related conditions. Algorithms developed to predict the effect of missense changes on protein structure and function (SIFT, PolyPhen-2, Align-GVGD) all suggest that this variant is likely to be tolerated, but these predictions have not been confirmed by published functional studies and their clinical significance is uncertain. In summary, the available evidence is currently insufficient to determine the role of this variant in disease. Therefore, it has been classified as a Variant of Uncertain Significance.

NM_006306.4(SMC1A):c.512G>A (p.Arg171Gln)

Gene: SMC1A (structural maintenance of chromosomes 1A; minus strand). Cytogenetic location: Xp11.22.
Variant type: single nucleotide variant.
Coding change: c.512G>A on transcript NM_006306.4 (MANE Select); coding-DNA position 512, G replaced by A.
Protein change: p.Arg171Gln; replaces arginine 171 with glutamine.
Molecular consequence: missense variant.
Genome position (GRCh38, 1-based): chrX:53,413,335, C>T on the plus strand (G>A on the coding strand, the complement: SMC1A is on the minus strand). VCF-style: chrX-53413335-C-T. GRCh37 (hg19) VCF-style: chrX-53440285-C-T.
Other names: c.446G>A, p.Arg149Gln (NM_001281463.1); c.512G>A (NM_006306.2); short protein forms R149Q, R171Q.
Identifiers: ClinVar variation 933687 (VCV000933687.2), dbSNP rs2075720519, ClinGen allele CA413259364.